The following is an entry in ClinVar:

NM_014994.3(MAPKBP1):c.1252C>T (p.Arg418Cys)

Gene: MAPKBP1 (mitogen-activated protein kinase binding protein 1; plus strand). Cytogenetic location: 15q15.1.
Variant type: single nucleotide variant.
Coding change: c.1252C>T on transcript NM_014994.3 (MANE Select); coding-DNA position 1252, C replaced by T.
Protein change: p.Arg418Cys; replaces arginine 418 with cysteine.
Molecular consequence: missense variant. On other transcripts: non-coding transcript variant (1).
Genome position (GRCh38, 1-based): chr15:41,815,340, C>T. VCF-style: chr15-41815340-C-T. GRCh37 (hg19) VCF-style: chr15-42107538-C-T.
Other names: c.1270C>T, p.Arg424Cys (NM_001128608.2); c.1252C>T, p.Arg418Cys (NM_001265611.2); short protein forms R424C, R418C.
Identifiers: ClinVar variation 3123364 (VCV003123364.3), dbSNP rs752889005, ClinGen allele CA7497788.
Genomic context (GRCh38, chr15:41,815,340, plus strand): 5'-AGTAACCAGGCCTGCCTGCCCCCCAGTTCCTTTATTACCTGCTCCTCAGACAACACCATC[C>T]GCCTGTGGAACACAGAGAGCTCCGGGGTGCATGGCTCCACCCTCCACCGAAACATCCTCA-3'
Protein context (NP_055809.2, residues 408-428): FITCSSDNTI[Arg418Cys]LWNTESSGVH

ClinVar aggregate classification (germline): Uncertain significance. Review status: criteria provided, multiple submitters, no conflicts (2 of 4 stars). 2 submissions from 2 submitters: Uncertain significance (2). Last evaluated 2023-11-21.

Conditions:
Inborn genetic diseases. Identifiers: MedGen C0950123, MeSH D030342.
Nephronophthisis 20 (NPHP20). Identifiers: MedGen C4310640, MONDO:0014997, OMIM 617271.

Allele frequency attached by ClinVar (database versions not stated): ExAC 0.00001; gnomAD 0.00001; gnomAD exomes 0.00001.
gnomAD v4.1: 10 of 1,614,074 alleles (0.00062%); highest among the groups gnomAD compares: Non-Finnish European, 0.00076%; no homozygotes.

Submissions (2):

Ambry Genetics
Classification: Uncertain significance for Inborn genetic diseases. Last evaluated: 2023-11-21. Review status: criteria provided, single submitter. Criteria: Ambry Variant Classification Scheme 2023. Collection method: clinical testing. Allele origin: germline.

Juno Genomics, Hangzhou Juno Genomics, Inc
Classification: Uncertain significance for Nephronophthisis 20. Review status: criteria provided, single submitter. Criteria: ACMG Guidelines, 2015. Collection method: clinical testing. Allele origin: germline. Affected: yes.
Comment: Absent from controls (or at extremely low frequency if recessive) in Genome Aggregation Database, Exome Sequencing Project, 1000 Genomes Project, or Exome Aggregation Consortium.;Multiple lines of computational evidence support a deleterious effect on the gene or gene product (conservation, evolutionary, splicing impact, etc).;For recessive disorders, detected in trans with a pathogenic variant.